The following is an entry in ClinVar:

ClinVar aggregate classification (germline): Uncertain significance (1 of 4 stars; one submission).

gnomAD v4.1: 7 of 1,614,096 alleles (0.00043%); highest among the groups gnomAD compares: Admixed American, 0.012%; no homozygotes.

Submission:

Labcorp Genetics (formerly Invitae), Labcorp
Classification: Uncertain significance. Last evaluated: 2024-08-26. Review status: criteria provided, single submitter. Criteria: Invitae Variant Classification Sherloc (09022015). Collection method: clinical testing. Allele origin: germline.
Comment: This sequence change replaces alanine, which is neutral and non-polar, with threonine, which is neutral and polar, at codon 264 of the GJB3 protein (p.Ala264Thr). This variant is present in population databases (rs745370596, gnomAD 0.02%). This variant has not been reported in the literature in individuals affected with GJB3-related conditions. An algorithm developed to predict the effect of missense changes on protein structure and function (PolyPhen-2) suggests that this variant is likely to be tolerated. In summary, the available evidence is currently insufficient to determine the role of this variant in disease. Therefore, it has been classified as a Variant of Uncertain Significance.

NM_024009.3(GJB3):c.790G>A (p.Ala264Thr)

Gene: GJB3 (gap junction protein beta 3; plus strand). Cytogenetic location: 1p34.3.
Variant type: single nucleotide variant.
Coding change: c.790G>A on transcript NM_024009.3 (MANE Select); coding-DNA position 790, G replaced by A.
Protein change: p.Ala264Thr; replaces alanine 264 with threonine.
Molecular consequence: missense variant.
Genome position (GRCh38, 1-based): chr1:34,785,552, G>A. VCF-style: chr1-34785552-G-A. GRCh37 (hg19) VCF-style: chr1-35251153-G-A.
Other names: c.790G>A, p.Ala264Thr (NM_001005752.2); short protein forms A264T.
Identifiers: ClinVar variation 3672878 (VCV003672878.2).